The following is an entry in ClinVar:

ClinVar aggregate classification (germline): Conflicting classifications of pathogenicity. Review status: criteria provided, conflicting classifications (1 of 4 stars). 8 submissions from 8 submitters: Uncertain significance (1); Benign (2); Likely benign (4). 1 of the submissions does not count toward it. Last evaluated 2026-02-02.

Conditions:
Rhizomelic chondrodysplasia punctata type 1 (RCDP1). Also called: PEROXISOME BIOGENESIS DISORDER 9; PEX7-Related Rhizomelic Chondrodysplasia Punctata; CHONDRODYSTROPHIA CALCIFICANS PUNCTATA. Identifiers: Orphanet 177, Orphanet 309789, MedGen C1859133, MONDO:0008972, OMIM 215100. Disease mechanism: loss of function.
Peroxisome biogenesis disorder 9B. Also called: PEX7-Related Refsum Disease; PEROXISOME BIOGENESIS DISORDER, PEX7-RELATED, ATYPICAL; Refsum disease, adult, 2. Identifiers: Orphanet 773, MedGen C2749346, MONDO:0013945, OMIM 614879.

Allele frequency attached by ClinVar (database versions not stated): ESP Exome Variant Server 0.00062; gnomAD 0.00069 and 0.00075; TOPMed 0.00076; 1000 Genomes Project 30x 0.00078; 1000 Genomes Project 0.00100.
gnomAD v4.1: 198 of 1,613,872 alleles (0.012%); highest among the groups gnomAD compares: African/African-American, 0.25%; no homozygotes.

Submissions (8):

Labcorp Genetics (formerly Invitae), Labcorp
Classification: Benign for Peroxisome biogenesis disorder 9B. Last evaluated: 2026-02-02. Review status: criteria provided, single submitter. Criteria: Invitae Variant Classification Sherloc (09022015). Collection method: clinical testing. Allele origin: germline.

Mayo Clinic Laboratories, Mayo Clinic
Classification: Likely benign. Last evaluated: 2025-01-06. Review status: criteria provided, single submitter. Criteria: ACMG Guidelines, 2015. Collection method: clinical testing. Allele origin: germline. Observed: 1 variant allele.
Comment: BP4, BP7

Blueprint Genetics
Classification: Likely benign. Last evaluated: 2023-07-11. Review status: criteria provided, single submitter. Criteria: ACMG Guidelines, 2015. Collection method: clinical testing. Allele origin: germline.

ARUP Laboratories, Molecular Genetics and Genomics, ARUP Laboratories
Classification: Likely benign. Last evaluated: 2019-02-15. Review status: criteria provided, single submitter. Criteria: ARUP Molecular Germline Variant Investigation Process. Collection method: clinical testing. Allele origin: germline.

Athena Diagnostics
Classification: Benign. Last evaluated: 2018-11-29. Review status: criteria provided, single submitter. Criteria: Athena Diagnostics Criteria. Collection method: clinical testing. Allele origin: germline.

GeneDx
Classification: Likely benign. Last evaluated: 2017-08-21. Review status: criteria provided, single submitter. Criteria: GeneDx Variant Classification (06012015). Collection method: clinical testing. Allele origin: germline. Affected: yes.
Comment: This variant is considered likely benign or benign based on one or more of the following criteria: it is a conservative change, it occurs at a poorly conserved position in the protein, it is predicted to be benign by multiple in silico algorithms, and/or has population frequency not consistent with disease.

Eurofins Ntd Llc (ga)
Classification: Uncertain significance. Last evaluated: 2016-09-13. Review status: criteria provided, single submitter. Criteria: EGL Classification Definitions 2015. Collection method: clinical testing. Allele origin: germline. Observed: 2 variant alleles, 2 heterozygotes.

Natera, Inc.
Classification: Uncertain significance for Rhizomelic chondrodysplasia punctata type 1. Last evaluated: 2020-01-17. Review status: no assertion criteria provided. Collection method: clinical testing. Allele origin: germline. Not counted in ClinVar's aggregate classification.

NM_000288.4(PEX7):c.339+10A>G

Gene: PEX7 (peroxisomal biogenesis factor 7; plus strand). Cytogenetic location: 6q23.3.
Variant type: single nucleotide variant.
Coding change: c.339+10A>G on transcript NM_000288.4 (MANE Select); 10 bases into the intron after coding-DNA position 339, A replaced by G.
Molecular consequence: intron variant.
Genome position (GRCh38, 1-based): chr6:136,826,479, A>G. VCF-style: chr6-136826479-A-G. GRCh37 (hg19) VCF-style: chr6-137147617-A-G.
Other names: p.?.
Identifiers: ClinVar variation 291202 (VCV000291202.26), dbSNP rs374668045, ClinGen allele CA4017556.